The following is an entry in ClinVar:

ClinVar aggregate classification (germline): Uncertain significance (1 of 4 stars; one submission).

gnomAD v4.1: 1 of 1,613,260 alleles (0.000062%); highest among the groups gnomAD compares: Non-Finnish European, 0.000085%; no homozygotes.

Submission:

Labcorp Genetics (formerly Invitae), Labcorp
Classification: Uncertain significance. Last evaluated: 2022-07-05. Review status: criteria provided, single submitter. Criteria: Invitae Variant Classification Sherloc (09022015). Collection method: clinical testing. Allele origin: germline.
Comment: In summary, the available evidence is currently insufficient to determine the role of this variant in disease. Therefore, it has been classified as a Variant of Uncertain Significance. Algorithms developed to predict the effect of missense changes on protein structure and function output the following: SIFT: "Tolerated"; PolyPhen-2: "Benign"; Align-GVGD: "Class C0". The valine amino acid residue is found in multiple mammalian species, which suggests that this missense change does not adversely affect protein function. This variant has not been reported in the literature in individuals affected with NAF1-related conditions. This variant is not present in population databases (gnomAD no frequency). This sequence change replaces alanine, which is neutral and non-polar, with valine, which is neutral and non-polar, at codon 8 of the NAF1 protein (p.Ala8Val).

NM_138386.3(NAF1):c.23C>T (p.Ala8Val)

Gene: NAF1 (nuclear assembly factor 1 ribonucleoprotein; minus strand). Cytogenetic location: 4q32.2.
Variant type: single nucleotide variant.
Coding change: c.23C>T on transcript NM_138386.3 (MANE Select); coding-DNA position 23, C replaced by T.
Protein change: p.Ala8Val; replaces alanine 8 with valine.
Molecular consequence: missense variant.
Genome position (GRCh38, 1-based): chr4:163,166,705, G>A on the plus strand (C>T on the coding strand, the complement: NAF1 is on the minus strand). VCF-style: chr4-163166705-G-A. GRCh37 (hg19) VCF-style: chr4-164087857-G-A.
Other names: c.23C>T, p.Ala8Val (NM_001128931.2); short protein forms A8V.
Identifiers: ClinVar variation 2013319 (VCV002013319.4), dbSNP rs2477360728, ClinGen allele CA358662102.